The following is an entry in ClinVar:

NM_001958.5(EEF1A2):c.739C>T (p.Arg247Cys)

Gene: EEF1A2 (eukaryotic translation elongation factor 1 alpha 2; minus strand). Cytogenetic location: 20q13.33.
Variant type: single nucleotide variant.
Coding change: c.739C>T on transcript NM_001958.5 (MANE Select); coding-DNA position 739, C replaced by T.
Protein change: p.Arg247Cys; replaces arginine 247 with cysteine.
Molecular consequence: missense variant.
Genome position (GRCh38, 1-based): chr20:63,493,170, G>A on the plus strand (C>T on the coding strand, the complement: EEF1A2 is on the minus strand). VCF-style: chr20-63493170-G-A. GRCh37 (hg19) VCF-style: chr20-62124523-G-A.
Other names: short protein forms R247C.
Identifiers: ClinVar variation 589089 (VCV000589089.15), dbSNP rs1325353717, ClinGen allele CA409648658.

ClinVar aggregate classification (germline): Uncertain significance. Review status: criteria provided, multiple submitters, no conflicts (2 of 4 stars). 2 submissions from 2 submitters: Uncertain significance (2). Last evaluated 2022-11-09.

Conditions:
Inborn genetic diseases. Identifiers: MedGen C0950123, MeSH D030342.
Developmental and epileptic encephalopathy, 33 (DEE33). Also called: Epileptic encephalopathy, early infantile, 33. Identifiers: Orphanet 442835, MedGen C4225337, MONDO:0014625, OMIM 616409.

Allele frequency attached by ClinVar (database versions not stated): gnomAD exomes below 0.00001 and 0.00001.

Submissions (2):

Labcorp Genetics (formerly Invitae), Labcorp
Classification: Uncertain significance for Developmental and epileptic encephalopathy, 33. Last evaluated: 2022-11-09. Review status: criteria provided, single submitter. Criteria: Invitae Variant Classification Sherloc (09022015). Collection method: clinical testing. Allele origin: germline.
Comment: This variant has not been reported in the literature in individuals affected with EEF1A2-related conditions. This sequence change replaces arginine, which is basic and polar, with cysteine, which is neutral and slightly polar, at codon 247 of the EEF1A2 protein (p.Arg247Cys). The frequency data for this variant in the population databases is considered unreliable, as metrics indicate poor data quality at this position in the gnomAD database. ClinVar contains an entry for this variant (Variation ID: 589089). Advanced modeling of protein sequence and biophysical properties (such as structural, functional, and spatial information, amino acid conservation, physicochemical variation, residue mobility, and thermodynamic stability) performed at Invitae indicates that this missense variant is not expected to disrupt EEF1A2 protein function. In summary, the available evidence is currently insufficient to determine the role of this variant in disease. Therefore, it has been classified as a Variant of Uncertain Significance.

Ambry Genetics
Classification: Uncertain significance for Inborn genetic diseases. Last evaluated: 2017-05-05. Review status: criteria provided, single submitter. Criteria: Ambry Variant Classification Scheme 2023. Collection method: clinical testing. Allele origin: germline.
Comment: The p.R247C variant (also known as c.739C>T), located in coding exon 4 of the EEF1A2 gene, results from a C to T substitution at nucleotide position 739. The arginine at codon 247 is replaced by cysteine, an amino acid with highly dissimilar properties. This amino acid position is highly conserved in available vertebrate species. In addition, this alteration is predicted to be deleterious by in silico analysis. Since supporting evidence is limited at this time, the clinical significance of this variant remains unclear.